The following is an entry in ClinVar:

ClinVar aggregate classification (germline): Uncertain significance. Review status: criteria provided, multiple submitters, no conflicts (2 of 4 stars). 4 submissions from 4 submitters: Uncertain significance (4). Last evaluated 2025-05-19.

Conditions:
Inborn genetic diseases. Identifiers: MedGen C0950123, MeSH D030342.
Familial hemophagocytic lymphohistiocytosis 3 (FHL3). Also called: UNC13D-Related Familial Hemophagocytic Lymphohistiocytosis (UNC13D-fHLH). Identifiers: Orphanet 540, MedGen C1837174, MONDO:0012146, OMIM 608898.

Allele frequency attached by ClinVar (database versions not stated): gnomAD 0.00010; TOPMed 0.00011; gnomAD exomes 0.00013 and 0.00014; ExAC 0.00019; ESP Exome Variant Server 0.00038.
gnomAD v4.1: 202 of 1,613,768 alleles (0.013%); highest among the groups gnomAD compares: Non-Finnish European, 0.013%; no homozygotes.

Submissions (4):

Mayo Clinic Laboratories, Mayo Clinic
Classification: Uncertain significance. Last evaluated: 2025-05-19. Review status: criteria provided, single submitter. Criteria: ACMG Guidelines, 2015. Collection method: clinical testing. Allele origin: germline. Observed: 1 variant allele.

Blueprint Genetics
Classification: Uncertain significance. Last evaluated: 2024-01-05. Review status: criteria provided, single submitter. Criteria: ACMG Guidelines, 2015. Collection method: clinical testing. Allele origin: germline.

Ambry Genetics
Classification: Uncertain significance for Inborn genetic diseases. Last evaluated: 2022-08-29. Review status: criteria provided, single submitter. Criteria: Ambry Variant Classification Scheme 2023. Collection method: clinical testing. Allele origin: germline.

Labcorp Genetics (formerly Invitae), Labcorp
Classification: Uncertain significance for Familial hemophagocytic lymphohistiocytosis 3. Last evaluated: 2021-09-24. Review status: criteria provided, single submitter. Criteria: Invitae Variant Classification Sherloc (09022015). Collection method: clinical testing. Allele origin: germline.
Comment: This sequence change replaces alanine with threonine at codon 695 of the UNC13D protein (p.Ala695Thr). The alanine residue is moderately conserved and there is a small physicochemical difference between alanine and threonine. This variant is present in population databases (rs145589230, ExAC 0.05%). This variant has not been reported in the literature in individuals affected with UNC13D-related conditions. Algorithms developed to predict the effect of missense changes on protein structure and function are either unavailable or do not agree on the potential impact of this missense change (SIFT: "Not Available"; PolyPhen-2: "Possibly Damaging"; Align-GVGD: "Not Available"). In summary, the available evidence is currently insufficient to determine the role of this variant in disease. Therefore, it has been classified as a Variant of Uncertain Significance.

NM_199242.3(UNC13D):c.2083G>A (p.Ala695Thr)

Gene: UNC13D (unc-13 homolog D; minus strand). Cytogenetic location: 17q25.1.
Variant type: single nucleotide variant.
Coding change: c.2083G>A on transcript NM_199242.3 (MANE Select); coding-DNA position 2083, G replaced by A.
Protein change: p.Ala695Thr; replaces alanine 695 with threonine.
Molecular consequence: missense variant.
Genome position (GRCh38, 1-based): chr17:75,834,626, C>T on the plus strand (G>A on the coding strand, the complement: UNC13D is on the minus strand). VCF-style: chr17-75834626-C-T. GRCh37 (hg19) VCF-style: chr17-73830707-C-T.
Other names: p.Ala695Thr; short protein forms A695T.
Identifiers: ClinVar variation 956532 (VCV000956532.7), dbSNP rs145589230, ClinGen allele CA8772674.